The following is an entry in ClinVar:

NM_001286577.2(C2CD3):c.6951del (p.Ser2318fs)

Gene: C2CD3 (C2 domain containing 3 centriole elongation regulator; minus strand). Cytogenetic location: 11q13.4.
Variant type: Deletion.
Coding change: c.6951del on transcript NM_001286577.2 (MANE Select); coding-DNA position 6951, one base deleted (C; older notation c.6951delC).
Protein change: p.Ser2318fs; shifts the reading frame from serine 2318.
Molecular consequence: frameshift variant.
Genome position (GRCh38, 1-based): chr11:74,013,496, G deleted on the plus strand (C on the coding strand, the reverse complement: C2CD3 is on the minus strand). VCF-style (leftmost placement, unchanged base first): chr11-74013495-AG-A. GRCh37 (hg19) VCF-style: chr11-73724540-AG-A.
Other names: short protein forms S2318fs.
Identifiers: ClinVar variation 4751198 (VCV004751198.1).

ClinVar aggregate classification (germline): Uncertain significance (1 of 4 stars; one submission).

Submission:

Labcorp Genetics (formerly Invitae), Labcorp
Classification: Uncertain significance. Last evaluated: 2025-10-21. Review status: criteria provided, single submitter. Criteria: Invitae Variant Classification Sherloc (09022015). Collection method: clinical testing. Allele origin: germline.
Comment: The C2CD3 gene has multiple clinically relevant transcripts. This variant occurs in alternate transcript NM_001286577.1, and corresponds to NM_015531.5:c.*21102del in the primary transcript. This sequence change is expected to alter the c-terminus of the C2CD3 protein (p.Ser2318Profs*40). While this is not anticipated to result in nonsense mediated decay, it is expected to disrupt the last 36 amino acid(s) of the C2CD3 protein. This variant is present in population databases (rs778806780, gnomAD 0.1%). This variant has not been reported in the literature in individuals affected with C2CD3-related conditions. Experimental studies and prediction algorithms are not available or were not evaluated, and the functional significance of this variant is currently unknown. In summary, the available evidence is currently insufficient to determine the role of this variant in disease. Therefore, it has been classified as a Variant of Uncertain Significance.